The following is an entry in ClinVar:

ClinVar aggregate classification (germline): no classifications from unflagged records (0 of 4 stars; one submission).

Submission:

Labcorp Genetics (formerly Invitae), Labcorp
Classification: Uncertain significance. Last evaluated: 2017-12-15. Review status: flagged submission. Criteria: Invitae Variant Classification Sherloc (09022015). Collection method: clinical testing. Allele origin: germline.
Comment: A gross deletion of the genomic region encompassing the full coding sequence of the NEIL1 gene has been identified. The boundaries of this event are unknown as the deletion extends beyond the assayed region for this gene and therefore may encompass additional genes. Isolated whole-gene deletions of NEIL1 have not been reported in the literature. However, larger copy number events that include this gene have been reported (PMID: 27399968, 28093361). The current clinical and genetic evidence is not sufficient to establish whether loss-of-function variants in NEIL1 cause disease. In summary, the available evidence is currently insufficient to determine the role of this variant in disease. Therefore, it has been classified as a Variant of Uncertain Significance.
ClinVar note: Notes: This submission was flagged because its interpretation of this variant conflicts with the ClinGen Gene Dosage Map curation for the gene SIN3A.
ClinVar note: Reason: Conflict with ClinGen Gene Dosage Map

Literature cited by the submitters: PubMed 27399968; PubMed 28093361.

NC_000015.9:g.(?_75628431)_(76054677_?)del

Genes: CIMAP1C (ciliary microtubule associated protein 1C; plus strand), COMMD4 (COMM domain containing 4; plus strand), CSPG4 (chondroitin sulfate proteoglycan 4; minus strand), IMP3 (IMP U3 small nucleolar ribonucleoprotein 3; minus strand), MAN2C1 (mannosidase alpha class 2C member 1; minus strand) and 5 more. Cytogenetic location: 15q24.2.
Variant type: Deletion.
Identifiers: ClinVar variation 2426847 (VCV002426847.3).